The following is an entry in ClinVar:

ClinVar aggregate classification (germline): Benign/Likely benign. Review status: criteria provided, multiple submitters, no conflicts (2 of 4 stars). 3 submissions from 3 submitters: Benign (1); Likely benign (1). 1 of the submissions does not count toward it. Last evaluated 2026-01-13.

Conditions:
Cohen syndrome (COH1). Also called: Cutis verticis gyrata, retinitis pigmentosa, and sensorineural deafness; PEPPER SYNDROME. Identifiers: Orphanet 193, MedGen C0265223, MONDO:0008999, OMIM 216550.
VPS13B-related disorder. Also called: VPS13B-related condition.

Allele frequency attached by ClinVar (database versions not stated): TOPMed 0.00001; ESP Exome Variant Server 0.00008; gnomAD 0.00019 and 0.00021; ExAC 0.00023; gnomAD exomes 0.00027.
gnomAD v4.1: 178 of 1,613,716 alleles (0.011%); highest among the groups gnomAD compares: Non-Finnish European, 0.0012%; 2 homozygotes.

Submissions (3):

Labcorp Genetics (formerly Invitae), Labcorp
Classification: Benign for Cohen syndrome. Last evaluated: 2026-01-13. Review status: criteria provided, single submitter. Criteria: Invitae Variant Classification Sherloc (09022015). Collection method: clinical testing. Allele origin: germline.

Blueprint Genetics
Classification: Likely benign. Last evaluated: 2024-04-13. Review status: criteria provided, single submitter. Criteria: ACMG Guidelines, 2015. Collection method: clinical testing. Allele origin: germline.

PreventionGenetics, part of Exact Sciences
Classification: Likely benign for VPS13B-related condition. Last evaluated: 2022-09-27. Review status: no assertion criteria provided. Collection method: clinical testing. Allele origin: germline. Not counted in ClinVar's aggregate classification.
Comment: This variant is classified as likely benign based on ACMG/AMP sequence variant interpretation guidelines (Richards et al. 2015 PMID: 25741868, with internal and published modifications).

NM_152564.5(VPS13B):c.6072G>A (p.Lys2024=)

Gene: VPS13B (vacuolar protein sorting 13 homolog B; plus strand). Cytogenetic location: 8q22.2.
Variant type: single nucleotide variant.
Coding change: c.6072G>A on transcript NM_152564.5 (MANE Select); coding-DNA position 6072, G replaced by A.
Protein change: p.Lys2024=; no amino-acid change (lysine 2024 retained).
Molecular consequence: synonymous variant.
Genome position (GRCh38, 1-based): chr8:99,699,550, G>A. VCF-style: chr8-99699550-G-A. GRCh37 (hg19) VCF-style: chr8-100711778-G-A.
Other names: c.6147G>A, p.Lys2049= (NM_017890.5); c.6072G>A (NM_152564.4).
Identifiers: ClinVar variation 720017 (VCV000720017.9), dbSNP rs142850229, ClinGen allele CA4823939.